The following is an entry in ClinVar:

NM_001291999.2(NCK1):c.609A>T (p.Ser203=)

Gene: NCK1 (NCK adaptor protein 1; plus strand). Cytogenetic location: 3q22.3.
Variant type: single nucleotide variant.
Coding change: c.609A>T on transcript NM_001291999.2 (MANE Select); coding-DNA position 609, A replaced by T.
Protein change: p.Ser203=; no amino-acid change (serine 203 retained).
Molecular consequence: synonymous variant.
Genome position (GRCh38, 1-based): chr3:136,945,965, A>T. VCF-style: chr3-136945965-A-T. GRCh37 (hg19) VCF-style: chr3-136664807-A-T.
Other names: c.417A>T, p.Ser139= (NM_001190796.3); c.609A>T, p.Ser203= (NM_006153.6).
Identifiers: ClinVar variation 3341512 (VCV003341512.16).
Genomic context (GRCh38, chr3:136,945,965, plus strand): 5'-CAATAACCTAAATACTGGGCAAGTGTTGCATGTGGTACAGGCTCTTTACCCATTCAGCTC[A>T]TCTAATGATGAAGAACTTAATTTCGAGAAAGGAGATGTAATGGATGTTATTGAAAAACCT-3'
Protein context (NP_001278928.1, residues 193-213): HVVQALYPFS[Ser203=]SNDEELNFEK

ClinVar aggregate classification (germline): Likely benign (1 of 4 stars; one submission).

gnomAD v4.1: 12,653 of 1,614,016 alleles (0.78%); highest among the groups gnomAD compares: Non-Finnish European, 0.91%; 75 homozygotes.

Submission:

CeGaT Center for Human Genetics Tuebingen
Classification: Likely benign. Last evaluated: 2024-08-01. Review status: criteria provided, single submitter. Criteria: CeGaT Center For Human Genetics Tuebingen Variant Classification Criteria Version 2. Collection method: clinical testing. Allele origin: germline. Affected: yes. Observed: 1 variant allele.
Comment: NCK1: BP4, BP7, BS2